The following is an entry in ClinVar:

ClinVar aggregate classification (germline): Uncertain significance (1 of 4 stars; one submission).

gnomAD v4.1: 6 of 1,501,808 alleles (0.0004%); highest among the groups gnomAD compares: Admixed American, 0.0021%; no homozygotes.

Submission:

Ambry Genetics
Classification: Uncertain significance. Last evaluated: 2025-08-14. Review status: criteria provided, single submitter. Criteria: Ambry Variant Classification Scheme 2023. Collection method: clinical testing. Allele origin: germline.
Comment: The p.A28T variant (also known as c.82G>A), located in coding exon 1 of the PALLD gene, results from a G to A substitution at nucleotide position 82. The alanine at codon 28 is replaced by threonine, an amino acid with similar properties. This amino acid position is conserved. In addition, this alteration is predicted to be tolerated by in silico analysis. Based on the available evidence, the clinical significance of this variant remains unclear.

NM_001166108.2(PALLD):c.1965-12949G>A

Gene: PALLD (palladin, cytoskeletal associated protein; plus strand). Cytogenetic location: 4q32.3.
Variant type: single nucleotide variant.
Coding change: c.1965-12949G>A on transcript NM_001166108.2 (MANE Select); 12949 bases into the intron before coding-DNA position 1965, G replaced by A.
Molecular consequence: intron variant. On other transcripts: missense variant (1).
Genome position (GRCh38, 1-based): chr4:168,877,973, G>A. VCF-style: chr4-168877973-G-A. GRCh37 (hg19) VCF-style: chr4-169799124-G-A.
Other names: c.82G>A, p.Ala28Thr (NM_001166110.2); c.1965-12949G>A (NM_016081.4); c.819-12949G>A (NM_001166109.2); c.-157-12949G>A (NM_001367570.1, NM_001367568.1, NM_001367567.1 and 1 more transcripts); short protein forms A28T.
Identifiers: ClinVar variation 4130439 (VCV004130439.1).